The following is an entry in ClinVar:

ClinVar aggregate classification (germline): Likely benign. Review status: criteria provided, multiple submitters, no conflicts (2 of 4 stars). 3 submissions from 3 submitters: Likely benign (2). 1 of the submissions does not count toward it. Last evaluated 2021-09-15.

Conditions:
ARHGAP31-related disorder. Also called: ARHGAP31-related condition.

Allele frequency attached by ClinVar (database versions not stated): gnomAD 0.00001; gnomAD exomes 0.00002 and 0.00003; TOPMed 0.00003.
gnomAD v4.1: 41 of 1,613,978 alleles (0.0025%); highest among the groups gnomAD compares: Middle Eastern, 0.033%; no homozygotes.

Submissions (3):

Labcorp Genetics (formerly Invitae), Labcorp
Classification: Likely benign. Last evaluated: 2021-09-15. Review status: criteria provided, single submitter. Criteria: Invitae Variant Classification Sherloc (09022015). Collection method: clinical testing. Allele origin: germline.

Breakthrough Genomics
Classification: Likely benign. Review status: criteria provided, single submitter. Criteria: ACMG Guidelines, 2015. Collection method: not provided. Allele origin: germline. Inheritance: Autosomal dominant inheritance. Affected: yes.

PreventionGenetics, part of Exact Sciences
Classification: Likely benign for ARHGAP31-related condition. Last evaluated: 2022-12-07. Review status: no assertion criteria provided. Collection method: clinical testing. Allele origin: germline. Not counted in ClinVar's aggregate classification.
Comment: This variant is classified as likely benign based on ACMG/AMP sequence variant interpretation guidelines (Richards et al. 2015 PMID: 25741868, with internal and published modifications).

NM_020754.4(ARHGAP31):c.279G>A (p.Ser93=)

Gene: ARHGAP31 (Rho GTPase activating protein 31; plus strand). Cytogenetic location: 3q13.33.
Variant type: single nucleotide variant.
Coding change: c.279G>A on transcript NM_020754.4 (MANE Select); coding-DNA position 279, G replaced by A.
Protein change: p.Ser93=; no amino-acid change (serine 93 retained).
Molecular consequence: synonymous variant.
Genome position (GRCh38, 1-based): chr3:119,368,447, G>A. VCF-style: chr3-119368447-G-A. GRCh37 (hg19) VCF-style: chr3-119087294-G-A.
Identifiers: ClinVar variation 752225 (VCV000752225.11), dbSNP rs1289473407, ClinGen allele CA435389880.
Genomic context (GRCh38, chr3:119,368,447, plus strand): 5'-AGATCAATGTCCAGATCTGACAAGGGAAGTGTACCTCCAGGACATCCACTGTGTGGGCTC[G>A]CTTTGCAAGCTCTACTTTAGGGAGCTGCCCAACCCCCTCCTGACTTATGAGCTCTATGAG-3'
Protein context (NP_065805.2, residues 83-103): VYLQDIHCVG[Ser93=]LCKLYFRELP